The following is an entry in ClinVar:

NM_001011548.1(MAGEA4):c.468C>T (p.Ser156=)

Gene: MAGEA4 (MAGE family member A4; plus strand). Cytogenetic location: Xq28.
Variant type: single nucleotide variant.
Coding change: c.468C>T on transcript NM_001011548.1 (MANE Select); coding-DNA position 468, C replaced by T.
Protein change: p.Ser156=; no amino-acid change (serine 156 retained).
Molecular consequence: synonymous variant.
Genome position (GRCh38, 1-based): chrX:151,924,132, C>T. VCF-style: chrX-151924132-C-T. GRCh37 (hg19) VCF-style: chrX-151092604-C-T.
Other names: c.468C>T, p.Ser156= (NM_001011549.1, NM_001011550.1, NM_001386196.1 and 8 more transcripts).
Identifiers: ClinVar variation 2661657 (VCV002661657.24), dbSNP rs202047929, ClinGen allele CA10542202.
Genomic context (GRCh38, chrX:151,924,132, plus strand): 5'-GCTGGAGAGAGTCATCAAAAATTACAAGCGCTGCTTTCCTGTGATCTTCGGCAAAGCCTC[C>T]GAGTCCCTGAAGATGATCTTTGGCATTGACGTGAAGGAAGTGGACCCCGCCAGCAACACC-3'
Protein context (NP_001011548.1, residues 146-166): RCFPVIFGKA[Ser156=]ESLKMIFGID

ClinVar aggregate classification (germline): Likely benign (1 of 4 stars; one submission).

Allele frequency attached by ClinVar (database versions not stated): ExAC 0.00002; gnomAD 0.00002; TOPMed 0.00002; gnomAD exomes 0.00008; 1000 Genomes Project 30x 0.00021; 1000 Genomes Project 0.00026.
gnomAD v4.1: 83 of 1,210,600 alleles (0.0069%); highest among the groups gnomAD compares: East Asian, 0.03%; no homozygotes.

Submission:

CeGaT Center for Human Genetics Tuebingen
Classification: Likely benign. Last evaluated: 2022-03-01. Review status: criteria provided, single submitter. Criteria: CeGaT Center For Human Genetics Tuebingen Variant Classification Criteria Version 2. Collection method: clinical testing. Allele origin: germline. Affected: yes. Observed: 1 variant allele.
Comment: MAGEA4: BP4, BP7